The following is an entry in ClinVar:

ClinVar aggregate classification (germline): Likely benign. Review status: criteria provided, single submitter (1 of 4 stars). 2 submissions from 2 submitters: Likely benign (1). 1 of the submissions does not count toward it. Last evaluated 2024-11-05.

Conditions:
TBCE-related disorder. Also called: TBCE-related disorders; TBCE-related condition.

Allele frequency attached by ClinVar (database versions not stated): TOPMed 0.00004; gnomAD 0.00007; ExAC 0.00008; 1000 Genomes Project 30x 0.00047; 1000 Genomes Project 0.00060.
gnomAD v4.1: 81 of 1,613,682 alleles (0.005%); highest among the groups gnomAD compares: East Asian, 0.016%; no homozygotes.

Submissions (2):

Labcorp Genetics (formerly Invitae), Labcorp
Classification: Likely benign. Last evaluated: 2024-11-05. Review status: criteria provided, single submitter. Criteria: Invitae Variant Classification Sherloc (09022015). Collection method: clinical testing. Allele origin: germline.

PreventionGenetics, part of Exact Sciences
Classification: Likely benign for TBCE-related condition. Last evaluated: 2023-05-11. Review status: no assertion criteria provided. Collection method: clinical testing. Allele origin: germline. Not counted in ClinVar's aggregate classification.
Comment: This variant is classified as likely benign based on ACMG/AMP sequence variant interpretation guidelines (Richards et al. 2015 PMID: 25741868, with internal and published modifications).

NM_003193.5(TBCE):c.21G>A (p.Ala7=)

Gene: TBCE (tubulin folding cofactor E; plus strand). Cytogenetic location: 1q42.3.
Variant type: single nucleotide variant.
Coding change: c.21G>A on transcript NM_003193.5 (MANE Select); coding-DNA position 21, G replaced by A.
Protein change: p.Ala7=; no amino-acid change (alanine 7 retained).
Molecular consequence: synonymous variant. On other transcripts: 5 prime UTR variant (1).
Genome position (GRCh38, 1-based): chr1:235,380,070, G>A. VCF-style: chr1-235380070-G-A. GRCh37 (hg19) VCF-style: chr1-235543385-G-A.
Other names: c.21G>A (NM_001287801.1); c.21G>A, p.Ala7= (NM_001079515.3, NM_001287801.2); c.-290G>A (NM_001287802.2).
Identifiers: ClinVar variation 2919023 (VCV002919023.5), dbSNP rs200382427, ClinGen allele CA1463872.
Genomic context (GRCh38, chr1:235,380,070, plus strand): 5'-TCTTCCTAGATCTCATATTTTGGATTCTGGATATATTATAATGAGTGACACTTTGACAGC[G>A]GATGTCATTGGTCGAAGAGTTGAAGTTAATGGAGAACATGCAACAGTACGTTTTGCTGGT-3'
Protein context (NP_003184.1, residues 1-17): MSDTLT[Ala7=]DVIGRRVEVN